The following is an entry in ClinVar:

NM_001161403.3(LIMS2):c.623G>A (p.Arg208Gln)

Gene: LIMS2 (LIM zinc finger domain containing 2; minus strand). Cytogenetic location: 2q14.3.
Variant type: single nucleotide variant.
Coding change: c.623G>A on transcript NM_001161403.3 (MANE Select); coding-DNA position 623, G replaced by A.
Protein change: p.Arg208Gln; replaces arginine 208 with glutamine.
Molecular consequence: missense variant.
Genome position (GRCh38, 1-based): chr2:127,642,086, C>T on the plus strand (G>A on the coding strand, the complement: LIMS2 is on the minus strand). VCF-style: chr2-127642086-C-T. GRCh37 (hg19) VCF-style: chr2-128399661-C-T.
Other names: c.689G>A, p.Arg230Gln (NM_001136037.4); c.608G>A, p.Arg203Gln (NM_001161404.2); c.167G>A, p.Arg56Gln (NM_001161405.1, NM_001256542.2); c.695G>A, p.Arg232Gln (NM_017980.5); c.695G>A (NM_017980.4); short protein forms R203Q, R208Q, R230Q, R232Q, R56Q.
Identifiers: ClinVar variation 2433451 (VCV002433451.7), dbSNP rs767489473, ClinGen allele CA1862983.

ClinVar aggregate classification (germline): Uncertain significance. Review status: criteria provided, multiple submitters, no conflicts (2 of 4 stars). 3 submissions from 3 submitters: Uncertain significance (3). Last evaluated 2025-10-03.

Conditions:
Autosomal recessive limb-girdle muscular dystrophy type 2W (MDRCMTT). Also called: Muscular dystrophy, limb-girdle, type 2W; Muscular dystrophy, autosomal recessive, with cardiomyopathy and triangular tongue. Identifiers: MedGen C4225192, MONDO:0014788, OMIM 616827.

Allele frequency attached by ClinVar (database versions not stated): gnomAD exomes 0.00002; gnomAD 0.00001; TOPMed 0.00002; ExAC 0.00003.
gnomAD v4.1: 27 of 1,610,558 alleles (0.0017%); highest among the groups gnomAD compares: Admixed American, 0.005%; no homozygotes.

Submissions (3):

Labcorp Genetics (formerly Invitae), Labcorp
Classification: Uncertain significance for Autosomal recessive limb-girdle muscular dystrophy type 2W. Last evaluated: 2025-10-03. Review status: criteria provided, single submitter. Criteria: Invitae Variant Classification Sherloc (09022015). Collection method: clinical testing. Allele origin: germline.
Comment: This sequence change replaces arginine, which is basic and polar, with glutamine, which is neutral and polar, at codon 230 of the LIMS2 protein (p.Arg230Gln). This variant is present in population databases (rs767489473, gnomAD 0.009%). This variant has not been reported in the literature in individuals affected with LIMS2-related conditions. ClinVar contains an entry for this variant (Variation ID: 2433451). Invitae Evidence Modeling of protein sequence and biophysical properties (such as structural, functional, and spatial information, amino acid conservation, physicochemical variation, residue mobility, and thermodynamic stability) indicates that this missense variant is not expected to disrupt LIMS2 protein function with a negative predictive value of 80%. In summary, the available evidence is currently insufficient to determine the role of this variant in disease. Therefore, it has been classified as a Variant of Uncertain Significance.

Ambry Genetics
Classification: Uncertain significance. Last evaluated: 2025-09-09. Review status: criteria provided, single submitter. Criteria: Ambry Variant Classification Scheme 2023. Collection method: clinical testing. Allele origin: germline.

Revvity Omics, Revvity
Classification: Uncertain significance for Autosomal recessive limb-girdle muscular dystrophy type 2W. Last evaluated: 2019-01-10. Review status: criteria provided, single submitter. Criteria: ACMG Guidelines, 2015. Collection method: clinical testing. Allele origin: germline.